The following is an entry in ClinVar:

NM_000283.4(PDE6B):c.2114G>A (p.Arg705Gln)

Gene: PDE6B (phosphodiesterase 6B; plus strand). Cytogenetic location: 4p16.3.
Variant type: single nucleotide variant.
Coding change: c.2114G>A on transcript NM_000283.4 (MANE Select); coding-DNA position 2114, G replaced by A.
Protein change: p.Arg705Gln; replaces arginine 705 with glutamine.
Molecular consequence: missense variant.
Genome position (GRCh38, 1-based): chr4:664,206, G>A. VCF-style: chr4-664206-G-A. GRCh37 (hg19) VCF-style: chr4-657995-G-A.
Other names: c.2114G>A, p.Arg705Gln (NM_001145291.2); c.1277G>A, p.Arg426Gln (NM_001145292.2, NM_001350154.3, NM_001379246.1 and 1 more transcripts); c.959G>A, p.Arg320Gln (NM_001350155.3); c.2114G>A (NM_000283.3); short protein forms R320Q, R426Q, R705Q.
Identifiers: ClinVar variation 1516914 (VCV001516914.8), dbSNP rs200397909, ClinGen allele CA2794852.

ClinVar aggregate classification (germline): Uncertain significance. Review status: criteria provided, multiple submitters, no conflicts (2 of 4 stars). 3 submissions from 3 submitters: Uncertain significance (3). Last evaluated 2025-05-30.

Conditions:
PDE6B-related disorder. Also called: PDE6B-related disease; PDE6B-related condition; PDE6B-related disorders.
Retinal dystrophy. Also called: Inherited retinal dystrophy. Identifiers: Orphanet 71862, MedGen C0854723, MeSH D058499, MONDO:0019118, HP:0000556.

Allele frequency attached by ClinVar (database versions not stated): gnomAD exomes below 0.00001 and 0.00001; TOPMed below 0.00001; ExAC 0.00001; gnomAD 0.00001 and 0.00002; 1000 Genomes Project 30x 0.00016; 1000 Genomes Project 0.00020.
gnomAD v4.1: 18 of 1,599,194 alleles (0.0011%); highest among the groups gnomAD compares: East Asian, 0.031%; no homozygotes.

Submissions (3):

PreventionGenetics, part of Exact Sciences
Classification: Uncertain significance for PDE6B-related condition. Last evaluated: 2025-05-30. Review status: criteria provided, single submitter. Criteria: ACMG Guidelines, 2015. Collection method: clinical testing. Allele origin: germline.
Comment: The PDE6B c.2114G>A variant is predicted to result in the amino acid substitution p.Arg705Gln. To our knowledge, this variant has not previously been reported in the literature in individuals with retinal disease, but has been reported in individuals with developmental disorders (supplementary data, Kaplanis et al. 2020. PubMed ID: 33057194; supplementary data, Zhou et al. 2022. PubMed ID: 35982159). This variant is reported in 0.0040% of alleles in individuals of African descent in gnomAD. At this time, the clinical significance of this variant is uncertain due to the absence of conclusive functional and genetic evidence.

Dept Of Ophthalmology, Nagoya University
Classification: Uncertain significance for Retinal dystrophy. Last evaluated: 2023-10-01. Review status: criteria provided, single submitter. Criteria: Submitter's publication. Collection method: research. Allele origin: germline. Affected: yes.

Labcorp Genetics (formerly Invitae), Labcorp
Classification: Uncertain significance. Last evaluated: 2022-10-13. Review status: criteria provided, single submitter. Criteria: Invitae Variant Classification Sherloc (09022015). Collection method: clinical testing. Allele origin: germline.
Comment: This sequence change replaces arginine, which is basic and polar, with glutamine, which is neutral and polar, at codon 705 of the PDE6B protein (p.Arg705Gln). This variant is present in population databases (rs200397909, gnomAD 0.005%). This variant has not been reported in the literature in individuals affected with PDE6B-related conditions. ClinVar contains an entry for this variant (Variation ID: 1516914). Advanced modeling of protein sequence and biophysical properties (such as structural, functional, and spatial information, amino acid conservation, physicochemical variation, residue mobility, and thermodynamic stability) performed at Invitae indicates that this missense variant is not expected to disrupt PDE6B protein function. In summary, the available evidence is currently insufficient to determine the role of this variant in disease. Therefore, it has been classified as a Variant of Uncertain Significance.